The following is an entry in ClinVar:

ClinVar aggregate classification (germline): Uncertain significance (1 of 4 stars; one submission).

Conditions:
EP300-related disorder. Also called: EP300-related condition; EP300-related disorders.

Allele frequency attached by ClinVar (database versions not stated): gnomAD exomes below 0.00001; ExAC 0.00001; gnomAD 0.00001; 1000 Genomes Project 30x 0.00016; 1000 Genomes Project 0.00020.
gnomAD v4.1: 2 of 1,614,184 alleles (0.00012%); highest among the groups gnomAD compares: East Asian, 0.0022%; no homozygotes.

Submission:

PreventionGenetics, part of Exact Sciences
Classification: Uncertain significance for EP300-related condition. Last evaluated: 2023-08-21. Review status: criteria provided, single submitter. Criteria: ACMG Guidelines, 2015. Collection method: clinical testing. Allele origin: germline.
Comment: The EP300 c.4993C>T variant is predicted to result in the amino acid substitution p.Arg1665Cys. To our knowledge, this variant has not been reported in the literature. This variant is reported in 0.0054% of alleles in individuals of East Asian descent in gnomAD. At this time, the clinical significance of this variant is uncertain due to the absence of conclusive functional and genetic evidence.

NM_001429.4(EP300):c.4993C>T (p.Arg1665Cys)

Gene: EP300 (E1A binding protein p300; plus strand). Cytogenetic location: 22q13.2.
Variant type: single nucleotide variant.
Coding change: c.4993C>T on transcript NM_001429.4 (MANE Select); coding-DNA position 4993, C replaced by T.
Protein change: p.Arg1665Cys; replaces arginine 1665 with cysteine.
Molecular consequence: missense variant.
Genome position (GRCh38, 1-based): chr22:41,176,460, C>T. VCF-style: chr22-41176460-C-T. GRCh37 (hg19) VCF-style: chr22-41572464-C-T.
Other names: c.4915C>T, p.Arg1639Cys (NM_001362843.2); short protein forms R1639C, R1665C.
Identifiers: ClinVar variation 2629075 (VCV002629075.1), dbSNP rs201883596, ClinGen allele CA10253559.